The following is an entry in ClinVar:

ClinVar aggregate classification (germline): Likely pathogenic (1 of 4 stars; one submission).

Conditions:
Joubert syndrome. Also called: Familial aplasia of the vermis; JOUBERT-BOLTSHAUSER SYNDROME; CEREBELLOPARENCHYMAL DISORDER IV. Identifiers: Orphanet 475, MedGen C5979921, MONDO:0018772.

Submission:

Natera, Inc.
Classification: Likely pathogenic for Joubert syndrome. Last evaluated: 2024-03-04. Review status: criteria provided, single submitter. Criteria: Natera Variant Classification Schema (03/2026). Collection method: clinical testing. Allele origin: germline.
Comment: The c.276_277delTGinsAT variant in RPGRIP1L is a deletion-insertion (delins) variant predicted to replace one or more nucleotides with a different sequence. This variant is expected to result in nonsense mediated decay, truncation, or a dysfunctional protein product. This variant is rare in the general population with a frequency below the threshold expected for the associated phenotype(s). Given the available evidence, this variant is classified as Likely Pathogenic.

NM_015272.5(RPGRIP1L):c.276_277delinsAT (p.Tyr92_Glu93delinsTer)

Gene: RPGRIP1L (RPGRIP1 like; minus strand). Cytogenetic location: 16q12.2.
Variant type: Indel.
Coding change: c.276_277delinsAT on transcript NM_015272.5 (MANE Select); coding-DNA positions 276 to 277, TG replaced by AT.
Protein change: p.Tyr92_Glu93delinsTer.
Molecular consequence: nonsense.
Genome position (GRCh38, 1-based): chr16:53,692,318-53,692,319, CA replaced by AT on the plus strand (TG replaced by AT on the coding strand, the reverse complement: RPGRIP1L is on the minus strand). VCF-style: chr16-53692318-CA-AT. GRCh37 (hg19) VCF-style: chr16-53726230-CA-AT.
Other names: c.276_277delinsAT, p.Tyr92_Glu93delinsTer (NM_001127897.4, NM_001308334.3, NM_001330538.2).
Identifiers: ClinVar variation 4815839 (VCV004815839.1).